The following is an entry in ClinVar:

ClinVar aggregate classification (germline): Uncertain significance. Review status: criteria provided, multiple submitters, no conflicts (2 of 4 stars). 2 submissions from 2 submitters: Uncertain significance (2). Last evaluated 2024-12-10.

Conditions:
Fanconi anemia (FA). Also called: Fanconi's anemia. Identifiers: Orphanet 84, MedGen C0015625, MeSH D005199, MONDO:0019391.
Inborn genetic diseases. Identifiers: MedGen C0950123, MeSH D030342.

Allele frequency attached by ClinVar (database versions not stated): ExAC 0.00001; gnomAD exomes 0.00001.
gnomAD v4.1: 5 of 1,614,042 alleles (0.00031%); highest among the groups gnomAD compares: Admixed American, 0.0033%; no homozygotes.

Submissions (2):

Ambry Genetics
Classification: Uncertain significance for Inborn genetic diseases. Last evaluated: 2024-12-10. Review status: criteria provided, single submitter. Criteria: Ambry Variant Classification Scheme 2023. Collection method: clinical testing. Allele origin: germline.
Comment: The p.G1371R variant (also known as c.4111G>A), located in coding exon 41 of the FANCA gene, results from a G to A substitution at nucleotide position 4111. The glycine at codon 1371 is replaced by arginine, an amino acid with dissimilar properties. This amino acid position is conserved. In addition, this alteration is predicted to be deleterious by in silico analysis. Based on the available evidence, the clinical significance of this variant remains unclear.

Labcorp Genetics (formerly Invitae), Labcorp
Classification: Uncertain significance for Fanconi anemia. Last evaluated: 2022-03-15. Review status: criteria provided, single submitter. Criteria: Invitae Variant Classification Sherloc (09022015). Collection method: clinical testing. Allele origin: germline.
Comment: Algorithms developed to predict the effect of sequence changes on RNA splicing suggest that this variant may create or strengthen a splice site. Advanced modeling of protein sequence and biophysical properties (such as structural, functional, and spatial information, amino acid conservation, physicochemical variation, residue mobility, and thermodynamic stability) performed at Invitae indicates that this missense variant is expected to disrupt FANCA protein function. This variant has not been reported in the literature in individuals affected with FANCA-related conditions. This variant is present in population databases (rs757592625, gnomAD 0.003%). This sequence change replaces glycine, which is neutral and non-polar, with arginine, which is basic and polar, at codon 1371 of the FANCA protein (p.Gly1371Arg). In summary, the available evidence is currently insufficient to determine the role of this variant in disease. Therefore, it has been classified as a Variant of Uncertain Significance.

NM_000135.4(FANCA):c.4111G>A (p.Gly1371Arg)

Genes: FANCA (FA complementation group A; minus strand), ZNF276 (zinc finger protein 276; plus strand). Cytogenetic location: 16q24.3.
Variant type: single nucleotide variant.
Coding change: c.4111G>A on transcript NM_000135.4 (MANE Select); coding-DNA position 4111, G replaced by A.
Protein change: p.Gly1371Arg; replaces glycine 1371 with arginine.
Molecular consequence: missense variant. On other transcripts: 3 prime UTR variant (2), non-coding transcript variant (4).
Genome position (GRCh38, 1-based): chr16:89,739,189, C>T on the plus strand (G>A on the coding strand, the complement: FANCA is on the minus strand). VCF-style: chr16-89739189-C-T. GRCh37 (hg19) VCF-style: chr16-89805597-C-T.
Other names: c.4111G>A, p.Gly1371Arg (NM_001286167.3); c.*943C>T (NM_001113525.2, NM_152287.4); short protein forms G1371R.
Identifiers: ClinVar variation 2170261 (VCV002170261.3), dbSNP rs757592625, ClinGen allele CA8250781.